The following is an entry in ClinVar:

ClinVar aggregate classification (germline): Uncertain significance (1 of 4 stars; one submission).

Conditions:
Joubert syndrome 21 (JBTS21). Identifiers: MedGen C3810212, MONDO:0014288, OMIM 615636.

Allele frequency attached by ClinVar (database versions not stated): gnomAD 0.00001; TOPMed 0.00001.

Submission:

Labcorp Genetics (formerly Invitae), Labcorp
Classification: Uncertain significance for Joubert syndrome 21. Last evaluated: 2019-11-21. Review status: criteria provided, single submitter. Criteria: Invitae Variant Classification Sherloc (09022015). Collection method: clinical testing. Allele origin: germline.
Comment: In summary, the available evidence is currently insufficient to determine the role of this variant in disease. Therefore, it has been classified as a Variant of Uncertain Significance. Algorithms developed to predict the effect of missense changes on protein structure and function are either unavailable or do not agree on the potential impact of this missense change (SIFT: "Tolerated"; PolyPhen-2: "Probably Damaging"; Align-GVGD: "Class C0"). This variant has not been reported in the literature in individuals with CSPP1-related conditions. This variant is not present in population databases (ExAC no frequency). This sequence change replaces lysine with arginine at codon 619 of the CSPP1 protein (p.Lys619Arg). The lysine residue is highly conserved and there is a small physicochemical difference between lysine and arginine.

NM_001382391.1(CSPP1):c.1871A>G (p.Lys624Arg)

Gene: CSPP1 (centrosome and spindle pole associated protein 1; plus strand). Cytogenetic location: 8q13.2.
Variant type: single nucleotide variant.
Coding change: c.1871A>G on transcript NM_001382391.1 (MANE Select); coding-DNA position 1871, A replaced by G.
Protein change: p.Lys624Arg; replaces lysine 624 with arginine.
Molecular consequence: missense variant.
Genome position (GRCh38, 1-based): chr8:67,137,499, A>G. VCF-style: chr8-67137499-A-G. GRCh37 (hg19) VCF-style: chr8-68049734-A-G.
Other names: c.974A>G, p.Lys325Arg (NM_001291339.2); c.1790A>G, p.Lys597Arg (NM_001363131.2); c.1829A>G, p.Lys610Arg (NM_001363132.2); c.1748A>G, p.Lys583Arg (NM_001363133.2); c.1937A>G, p.Lys646Arg (NM_001364869.1); c.1757A>G, p.Lys586Arg (NM_001364870.1); c.1856A>G, p.Lys619Arg (NM_024790.7); short protein forms K583R, K597R, K610R, K586R, K619R, K646R, K325R, K624R.
Identifiers: ClinVar variation 861439 (VCV000861439.7), dbSNP rs1452211221, ClinGen allele CA371205429.